The following is an entry in ClinVar:

NM_005228.5(EGFR):c.2927A>T (p.Gln976Leu)

Gene: EGFR (epidermal growth factor receptor; plus strand). Cytogenetic location: 7p11.2.
Variant type: single nucleotide variant.
Coding change: c.2927A>T on transcript NM_005228.5 (MANE Select); coding-DNA position 2927, A replaced by T.
Protein change: p.Gln976Leu; replaces glutamine 976 with leucine.
Molecular consequence: missense variant.
Genome position (GRCh38, 1-based): chr7:55,200,394, A>T. VCF-style: chr7-55200394-A-T. GRCh37 (hg19) VCF-style: chr7-55268087-A-T.
Other names: c.2792A>T, p.Gln931Leu (NM_001346897.2, NM_001346899.2); c.2927A>T, p.Gln976Leu (NM_001346898.2); c.2768A>T, p.Gln923Leu (NM_001346900.2); c.2126A>T, p.Gln709Leu (NM_001346941.2); short protein forms Q976L, Q923L, Q931L, Q709L.
Identifiers: ClinVar variation 1977075 (VCV001977075.5), dbSNP rs773034947, ClinGen allele CA367582010.

ClinVar aggregate classification (germline): Uncertain significance (1 of 4 stars; one submission).

Conditions:
EGFR-related lung cancer (EGFR). Identifiers: MedGen CN130014.

Submission:

Labcorp Genetics (formerly Invitae), Labcorp
Classification: Uncertain significance for EGFR-related lung cancer. Last evaluated: 2022-03-10. Review status: criteria provided, single submitter. Criteria: Invitae Variant Classification Sherloc (09022015). Collection method: clinical testing. Allele origin: germline.
Comment: In summary, the available evidence is currently insufficient to determine the role of this variant in disease. Therefore, it has been classified as a Variant of Uncertain Significance. Algorithms developed to predict the effect of missense changes on protein structure and function (SIFT, PolyPhen-2, Align-GVGD) all suggest that this variant is likely to be tolerated. This variant has not been reported in the literature in individuals affected with EGFR-related conditions. This variant is not present in population databases (gnomAD no frequency). This sequence change replaces glutamine, which is neutral and polar, with leucine, which is neutral and non-polar, at codon 976 of the EGFR protein (p.Gln976Leu).